The following is an entry in ClinVar:

ClinVar aggregate classification (germline): Benign. Review status: criteria provided, multiple submitters, no conflicts (2 of 4 stars). 3 submissions from 3 submitters: Benign (2). 1 of the submissions does not count toward it. Last evaluated 2013-10-16.

Allele frequency attached by ClinVar (database versions not stated): gnomAD exomes 0.01096 and 0.01334; TOPMed 0.00703; 1000 Genomes Project 0.00399; 1000 Genomes Project 30x 0.00422; gnomAD 0.00917 and 0.00933; ESP Exome Variant Server 0.01076; ExAC 0.01083.

Submissions (3):

GeneDx
Classification: Benign. Last evaluated: 2013-10-16. Review status: criteria provided, single submitter. Criteria: GeneDx Variant Classification (06012015). Collection method: clinical testing. Allele origin: germline. Affected: yes.
Comment: This variant is considered likely benign or benign based on one or more of the following criteria: it is a conservative change, it occurs at a poorly conserved position in the protein, it is predicted to be benign by multiple in silico algorithms, and/or has population frequency not consistent with disease.

Breakthrough Genomics
Classification: Benign. Review status: criteria provided, single submitter. Criteria: ACMG Guidelines, 2015. Collection method: not provided. Allele origin: germline. Inheritance: Unknown mechanism. Affected: yes.

Mayo Clinic Laboratories, Mayo Clinic
Classification: Benign. Last evaluated: 2016-02-29. Review status: no assertion criteria provided. Collection method: clinical testing. Allele origin: unknown. Not counted in ClinVar's aggregate classification.

NM_006351.4(TIMM44):c.924G>A (p.Pro308=)

Gene: TIMM44 (translocase of inner mitochondrial membrane 44; minus strand). Cytogenetic location: 19p13.2.
Variant type: single nucleotide variant.
Coding change: c.924G>A on transcript NM_006351.4 (MANE Select); coding-DNA position 924, G replaced by A.
Protein change: p.Pro308=; no amino-acid change (proline 308 retained).
Molecular consequence: synonymous variant.
Genome position (GRCh38, 1-based): chr19:7,932,690, C>T on the plus strand (G>A on the coding strand, the complement: TIMM44 is on the minus strand). VCF-style: chr19-7932690-C-T. GRCh37 (hg19) VCF-style: chr19-7997575-C-T.
Other names: p.P308P:CCG>CCA.
Identifiers: ClinVar variation 137646 (VCV000137646.6), dbSNP rs75137889, ClinGen allele CA291292.
Genomic context (GRCh38, chr19:7,932,690, plus strand): 5'-CAGGACATTGGGGATGATGTCGTTCTCGCACTGTTTCAGAAACCGGTCCTTGTCAAAGGC[C>T]GGGTCCACCCGGAGGATCTCCGTGAGCACCTCCGACATCTCTGTCTTGGAGAACAGGCCC-3'
Protein context (NP_006342.2, residues 298-318): EVLTEILRVD[Pro308=]AFDKDRFLKQ